The following is an entry in ClinVar:

NM_173076.3(ABCA12):c.7070G>T (p.Arg2357Met)

Genes: ABCA12 (ATP binding cassette subfamily A member 12; minus strand), SNHG31 (small nucleolar RNA host gene 31; plus strand). Cytogenetic location: 2q35.
Variant type: single nucleotide variant.
Coding change: c.7070G>T on transcript NM_173076.3 (MANE Select); coding-DNA position 7070, G replaced by T.
Protein change: p.Arg2357Met; replaces arginine 2357 with methionine.
Molecular consequence: missense variant. On other transcripts: non-coding transcript variant (1).
Genome position (GRCh38, 1-based): chr2:214,948,630, C>A on the plus strand (G>T on the coding strand, the complement: ABCA12 is on the minus strand). VCF-style: chr2-214948630-C-A. GRCh37 (hg19) VCF-style: chr2-215813354-C-A.
Other names: c.6116G>T, p.Arg2039Met (NM_015657.4); short protein forms R2357M, R2039M.
Identifiers: ClinVar variation 1373846 (VCV001373846.6), dbSNP rs749848420, ClinGen allele CA2090755.

ClinVar aggregate classification (germline): Uncertain significance (1 of 4 stars; one submission).

Allele frequency attached by ClinVar (database versions not stated): gnomAD exomes below 0.00001; ExAC 0.00001.
gnomAD v4.1: 2 of 1,614,034 alleles (0.00012%); highest among the groups gnomAD compares: Non-Finnish European, 0.00017%; no homozygotes.

Submission:

Labcorp Genetics (formerly Invitae), Labcorp
Classification: Uncertain significance. Last evaluated: 2022-09-06. Review status: criteria provided, single submitter. Criteria: Invitae Variant Classification Sherloc (09022015). Collection method: clinical testing. Allele origin: germline.
Comment: This sequence change replaces arginine, which is basic and polar, with methionine, which is neutral and non-polar, at codon 2357 of the ABCA12 protein (p.Arg2357Met). This variant is present in population databases (rs749848420, gnomAD 0.0009%). This variant has not been reported in the literature in individuals affected with ABCA12-related conditions. ClinVar contains an entry for this variant (Variation ID: 1373846). Advanced modeling of protein sequence and biophysical properties (such as structural, functional, and spatial information, amino acid conservation, physicochemical variation, residue mobility, and thermodynamic stability) performed at Invitae indicates that this missense variant is expected to disrupt ABCA12 protein function. In summary, the available evidence is currently insufficient to determine the role of this variant in disease. Therefore, it has been classified as a Variant of Uncertain Significance.